The following is an entry in ClinVar:

NM_005732.4(RAD50):c.3278G>T (p.Arg1093Leu)

Gene: RAD50 (RAD50 double strand break repair protein; plus strand). Cytogenetic location: 5q31.1.
Variant type: single nucleotide variant.
Coding change: c.3278G>T on transcript NM_005732.4 (MANE Select); coding-DNA position 3278, G replaced by T.
Protein change: p.Arg1093Leu; replaces arginine 1093 with leucine.
Molecular consequence: missense variant.
Genome position (GRCh38, 1-based): chr5:132,618,183, G>T. VCF-style: chr5-132618183-G-T. GRCh37 (hg19) VCF-style: chr5-131953875-G-T.
Other names: short protein forms R1093L.
Identifiers: ClinVar variation 1499139 (VCV001499139.8), dbSNP rs781612348, ClinGen allele CA360964660.

ClinVar aggregate classification (germline): Uncertain significance. Review status: criteria provided, multiple submitters, no conflicts (2 of 4 stars). 2 submissions from 2 submitters: Uncertain significance (2). Last evaluated 2025-05-05.

Conditions:
Hereditary cancer-predisposing syndrome. Also called: Tumor predisposition; Hereditary neoplastic syndrome; Neoplastic Syndromes, Hereditary; Hereditary Cancer Syndrome. Identifiers: Orphanet 140162, MedGen C0027672, MeSH D009386, MONDO:0015356.

Submissions (2):

Labcorp Genetics (formerly Invitae), Labcorp
Classification: Uncertain significance for Hereditary cancer-predisposing syndrome. Last evaluated: 2025-05-05. Review status: criteria provided, single submitter. Criteria: Invitae Variant Classification Sherloc (09022015). Collection method: clinical testing. Allele origin: germline.
Comment: This sequence change replaces arginine, which is basic and polar, with leucine, which is neutral and non-polar, at codon 1093 of the RAD50 protein (p.Arg1093Leu). This variant is not present in population databases (gnomAD no frequency). This variant has not been reported in the literature in individuals affected with RAD50-related conditions. ClinVar contains an entry for this variant (Variation ID: 1499139). Invitae Evidence Modeling of protein sequence and biophysical properties (such as structural, functional, and spatial information, amino acid conservation, physicochemical variation, residue mobility, and thermodynamic stability) indicates that this missense variant is not expected to disrupt RAD50 protein function with a negative predictive value of 80%. In summary, the available evidence is currently insufficient to determine the role of this variant in disease. Therefore, it has been classified as a Variant of Uncertain Significance.

Ambry Genetics
Classification: Uncertain significance for Hereditary cancer-predisposing syndrome. Last evaluated: 2022-08-23. Review status: criteria provided, single submitter. Criteria: Ambry Variant Classification Scheme 2023. Collection method: clinical testing. Allele origin: germline.
Comment: The p.R1093L variant (also known as c.3278G>T), located in coding exon 21 of the RAD50 gene, results from a G to T substitution at nucleotide position 3278. The arginine at codon 1093 is replaced by leucine, an amino acid with dissimilar properties. This amino acid position is conserved. In addition, the in silico prediction for this alteration is inconclusive. Since supporting evidence is limited at this time, the clinical significance of this alteration remains unclear.